The following is an entry in ClinVar:

ClinVar aggregate classification (germline): Uncertain significance (1 of 4 stars; one submission).

Allele frequency attached by ClinVar (database versions not stated): gnomAD exomes below 0.00001.

Submission:

Labcorp Genetics (formerly Invitae), Labcorp
Classification: Uncertain significance. Last evaluated: 2024-03-18. Review status: criteria provided, single submitter. Criteria: Invitae Variant Classification Sherloc (09022015). Collection method: clinical testing. Allele origin: germline.
Comment: This sequence change replaces methionine, which is neutral and non-polar, with threonine, which is neutral and polar, at codon 170 of the IMPDH1 protein (p.Met170Thr). This variant is present in population databases (no rsID available, gnomAD 0.004%). This variant has not been reported in the literature in individuals affected with IMPDH1-related conditions. An algorithm developed to predict the effect of missense changes on protein structure and function (PolyPhen-2) suggests that this variant is likely to be tolerated. In summary, the available evidence is currently insufficient to determine the role of this variant in disease. Therefore, it has been classified as a Variant of Uncertain Significance.

NM_000883.4(IMPDH1):c.509T>C (p.Met170Thr)

Gene: IMPDH1 (inosine monophosphate dehydrogenase 1; minus strand). Cytogenetic location: 7q32.1.
Variant type: single nucleotide variant.
Coding change: c.509T>C on transcript NM_000883.4 (MANE Select); coding-DNA position 509, T replaced by C.
Protein change: p.Met170Thr; replaces methionine 170 with threonine.
Molecular consequence: missense variant. On other transcripts: intron variant (1).
Genome position (GRCh38, 1-based): chr7:128,400,887, A>G on the plus strand (T>C on the coding strand, the complement: IMPDH1 is on the minus strand). VCF-style: chr7-128400887-A-G. GRCh37 (hg19) VCF-style: chr7-128040941-A-G.
Other names: c.401T>C, p.Met134Thr (NM_183243.3); c.249+128T>C (NM_001142575.2); c.479T>C, p.Met160Thr (NM_001102605.2); c.254T>C, p.Met85Thr (NM_001142573.2, NM_001142574.2); c.410T>C, p.Met137Thr (NM_001142576.2); c.302T>C, p.Met101Thr (NM_001304521.2); short protein forms M134T, M170T, M137T, M85T, M101T, M160T.
Identifiers: ClinVar variation 3004363 (VCV003004363.3), dbSNP rs1287231851, ClinGen allele CA369174227.